The following is an entry in ClinVar:

ClinVar aggregate classification (germline): Uncertain significance (1 of 4 stars; one submission).

Conditions:
Hereditary cancer-predisposing syndrome. Also called: Neoplastic Syndromes, Hereditary; Tumor predisposition; Hereditary Cancer Syndrome; Hereditary neoplastic syndrome. Identifiers: Orphanet 140162, MedGen C0027672, MeSH D009386, MONDO:0015356.

Submission:

Ambry Genetics
Classification: Uncertain significance for Hereditary cancer-predisposing syndrome. Last evaluated: 2025-06-16. Review status: criteria provided, single submitter. Criteria: Ambry Variant Classification Scheme 2023. Collection method: clinical testing. Allele origin: germline.
Comment: The p.T751N variant (also known as c.2252C>A), located in coding exon 10 of the BRCA2 gene, results from a C to A substitution at nucleotide position 2252. The threonine at codon 751 is replaced by asparagine, an amino acid with similar properties. This amino acid position is conserved. In addition, this alteration is predicted to be tolerated by in silico analysis. Based on the available evidence, the clinical significance of this variant remains unclear.

NM_000059.4(BRCA2):c.2252C>A (p.Thr751Asn)

Gene: BRCA2 (BRCA2 DNA repair associated; plus strand). Cytogenetic location: 13q13.1.
Variant type: single nucleotide variant.
Coding change: c.2252C>A on transcript NM_000059.4 (MANE Select); coding-DNA position 2252, C replaced by A.
Protein change: p.Thr751Asn; replaces threonine 751 with asparagine.
Molecular consequence: missense variant. On other transcripts: non-coding transcript variant (1), intron variant (2).
Genome position (GRCh38, 1-based): chr13:32,336,607, C>A. VCF-style: chr13-32336607-C-A. GRCh37 (hg19) VCF-style: chr13-32910744-C-A.
Other names: c.2252C>A, p.Thr751Asn (NM_001406719.1, NM_001406720.1, NM_001432077.1); c.1909+3220C>A (NM_001406721.1); c.424+5577C>A (NM_001406722.1); short protein forms T751N.
Identifiers: ClinVar variation 4215280 (VCV004215280.1).